The following is an entry in ClinVar:

NM_007294.4(BRCA1):c.2724A>C (p.Glu908Asp)

Gene: BRCA1 (BRCA1 DNA repair associated; minus strand). Cytogenetic location: 17q21.31.
Variant type: single nucleotide variant.
Coding change: c.2724A>C on transcript NM_007294.4 (MANE Select); coding-DNA position 2724, A replaced by C.
Protein change: p.Glu908Asp; replaces glutamic acid 908 with aspartic acid.
Molecular consequence: missense variant. On other transcripts: intron variant (137).
Genome position (GRCh38, 1-based): chr17:43,092,807, T>G on the plus strand (A>C on the coding strand, the complement: BRCA1 is on the minus strand). VCF-style: chr17-43092807-T-G. GRCh37 (hg19) VCF-style: chr17-41244824-T-G.
Other names: c.2721A>C, p.Glu907Asp (NM_001407630.1, NM_001407631.1, NM_001407632.1 and 22 more transcripts); c.2724A>C, p.Glu908Asp (NM_001407639.1, NM_001407640.1, NM_001407641.1 and 30 more transcripts); c.2715A>C, p.Glu905Asp (NM_001407646.1, NM_001407647.1); c.2601A>C, p.Glu867Asp (NM_001407648.1, NM_001407664.1, NM_001407665.1 and 19 more transcripts); c.2598A>C, p.Glu866Asp (NM_001407649.1, NM_001407670.1, NM_001407671.1 and 11 more transcripts); c.2646A>C, p.Glu882Asp (NM_001407653.1, NM_001407654.1, NM_001407655.1 and 4 more transcripts); c.2643A>C, p.Glu881Asp (NM_001407659.1, NM_001407660.1, NM_001407661.1 and 1 more transcripts); c.2583A>C, p.Glu861Asp (NM_001407692.1, NM_001407694.1, NM_001407695.1 and 29 more transcripts); and 41 more; short protein forms E908D, E861D, E796D, E797D, E841D, E860D, E866D, E612D.
Identifiers: ClinVar variation 481453 (VCV000481453.16), dbSNP rs1350643283, ClinGen allele CA10596545.

ClinVar aggregate classification (germline): Conflicting classifications of pathogenicity. Review status: criteria provided, conflicting classifications (1 of 4 stars). 3 submissions from 3 submitters: Uncertain significance (2); Likely benign (1). Last evaluated 2023-09-22.

Conditions:
Hereditary cancer-predisposing syndrome. Also called: Hereditary Cancer Syndrome; Neoplastic Syndromes, Hereditary; Tumor predisposition; Hereditary neoplastic syndrome. Identifiers: Orphanet 140162, MedGen C0027672, MeSH D009386, MONDO:0015356.
Hereditary breast ovarian cancer syndrome. Also called: Hereditary breast and ovarian cancer syndrome; Hereditary breast and ovarian cancer; Hereditary breast and ovarian cancer syndrome (HBOC); Breast and ovarian cancer; Hereditary breast and/or ovarian cancer syndrome; BRCA1- and BRCA2-Associated Hereditary Breast and Ovarian Cancer. Identifiers: Orphanet 145, MedGen C0677776, MeSH D061325, MONDO:0003582. Disease mechanism: loss of function.

gnomAD v4.1: 1 of 1,613,966 alleles (0.000062%); no homozygotes.

Submissions (3):

Labcorp Genetics (formerly Invitae), Labcorp
Classification: Uncertain significance for Hereditary breast ovarian cancer syndrome. Last evaluated: 2023-09-22. Review status: criteria provided, single submitter. Criteria: Invitae Variant Classification Sherloc (09022015). Collection method: clinical testing. Allele origin: germline.
Comment: This sequence change replaces glutamic acid, which is acidic and polar, with aspartic acid, which is acidic and polar, at codon 908 of the BRCA1 protein (p.Glu908Asp). This variant is not present in population databases (gnomAD no frequency). This variant has not been reported in the literature in individuals affected with BRCA1-related conditions. ClinVar contains an entry for this variant (Variation ID: 481453). Advanced modeling of protein sequence and biophysical properties (such as structural, functional, and spatial information, amino acid conservation, physicochemical variation, residue mobility, and thermodynamic stability) performed at Invitae indicates that this missense variant is not expected to disrupt BRCA1 protein function. In summary, the available evidence is currently insufficient to determine the role of this variant in disease. Therefore, it has been classified as a Variant of Uncertain Significance.

University of Washington Department of Laboratory Medicine, University of Washington
Classification: Likely benign for Hereditary cancer-predisposing syndrome. Last evaluated: 2023-03-23. Review status: criteria provided, single submitter. Criteria: Dines et al. (Genet Med. 2020). Collection method: curation. Allele origin: germline.
Comment: Missense variant in a coldspot region where missense variants are very unlikely to be pathogenic (PMID:31911673).

BRCA1 coldspot (exon 11 using historical exon numbering). Reclassification based on statistical prior probability

Ambry Genetics
Classification: Uncertain significance for Hereditary cancer-predisposing syndrome. Last evaluated: 2016-06-20. Review status: criteria provided, single submitter. Criteria: Ambry Variant Classification Scheme 2023. Collection method: clinical testing. Allele origin: germline.
Comment: The p.E908D variant (also known as c.2724A>C), located in coding exon 9 of the BRCA1 gene, results from an A to C substitution at nucleotide position 2724. The glutamic acid at codon 908 is replaced by aspartic acid, an amino acid with highly similar properties. This variant was not reported in population based cohorts in the following databases: Database of Single Nucleotide Polymorphisms (dbSNP), NHLBI Exome Sequencing Project (ESP), and 1000 Genomes Project. In the ESP, this variant was not observed in 6503 samples (13006 alleles) with coverage at this position. To date, this alteration has been detected with an allele frequency of approximately 0.0003% (greater than 300000 alleles tested) in our clinical cohort. This amino acid position is not well conserved in available vertebrate species. In addition, the in silico prediction for this alteration is inconclusive. Since supporting evidence is limited at this time, the clinical significance of this alteration remains unclear.